The following is an entry in ClinVar:

NM_000368.5(TSC1):c.397G>A (p.Val133Ile)

Gene: TSC1 (TSC complex subunit 1; minus strand). Cytogenetic location: 9q34.13.
Variant type: single nucleotide variant.
Coding change: c.397G>A on transcript NM_000368.5 (MANE Select); coding-DNA position 397, G replaced by A.
Protein change: p.Val133Ile; replaces valine 133 with isoleucine.
Molecular consequence: missense variant.
Genome position (GRCh38, 1-based): chr9:132,923,459, C>T on the plus strand (G>A on the coding strand, the complement: TSC1 is on the minus strand). VCF-style: chr9-132923459-C-T. GRCh37 (hg19) VCF-style: chr9-135798846-C-T.
Other names: c.397G>A, p.Val133Ile (NM_001162426.2); c.244G>A, p.Val82Ile (NM_001162427.2); c.34G>A, p.Val12Ile (NM_001362177.2); short protein forms V133I, V82I, V12I.
Identifiers: ClinVar variation 64704 (VCV000064704.21), dbSNP rs118203381, ClinGen allele CA007561.

ClinVar aggregate classification (germline): Conflicting classifications of pathogenicity. Review status: criteria provided, conflicting classifications (1 of 4 stars). 8 submissions from 8 submitters: Uncertain significance (2); Benign (1); Likely benign (4). 1 of the submissions does not count toward it. Last evaluated 2025-12-08.

Conditions:
Hereditary cancer-predisposing syndrome. Also called: Neoplastic Syndromes, Hereditary; Tumor predisposition; Hereditary neoplastic syndrome; Hereditary Cancer Syndrome. Identifiers: Orphanet 140162, MedGen C0027672, MeSH D009386, MONDO:0015356.
Tuberous sclerosis syndrome (TSC). Also called: Tuberous sclerosis; Tuberous Sclerosis Complex. Identifiers: Orphanet 805, MedGen C0041341, MONDO:0001734.
Lymphangiomyomatosis (LAM). Also called: Lymphangioleiomyomatosis; Lymphangioleiomyomatosis, somatic. Identifiers: Orphanet 538, MedGen C0751674, MONDO:0011705, OMIM 606690.
Tuberous sclerosis 1 (TSC1). Identifiers: Orphanet 805, MedGen C1854465, MONDO:0008612, OMIM 191100.
Isolated focal cortical dysplasia type II (FCORD2). Also called: CORTICAL DYSPLASIA OF TAYLOR; Focal cortical dysplasia type II. Identifiers: Orphanet 268994, MedGen C1846385, MONDO:0011818, OMIM 607341, HP:0032051.

Allele frequency attached by ClinVar (database versions not stated): ExAC 0.00001; gnomAD exomes 0.00001; TOPMed 0.00001.
gnomAD v4.1: 13 of 1,614,024 alleles (0.00081%); highest among the groups gnomAD compares: South Asian, 0.0044%; no homozygotes.

Submissions (8):

Labcorp Genetics (formerly Invitae), Labcorp
Classification: Likely benign for Tuberous sclerosis 1. Last evaluated: 2025-12-08. Review status: criteria provided, single submitter. Criteria: Invitae Variant Classification Sherloc (09022015). Collection method: clinical testing. Allele origin: germline.

Fulgent Genetics
Classification: Uncertain significance for Tuberous sclerosis 1; Lymphangiomyomatosis; Isolated focal cortical dysplasia type II. Last evaluated: 2024-02-08. Review status: criteria provided, single submitter. Criteria: ACMG Guidelines, 2015. Collection method: clinical testing. Allele origin: germline.

All of Us Research Program, National Institutes of Health
Classification: Uncertain significance for Tuberous sclerosis syndrome. Last evaluated: 2023-08-15. Review status: criteria provided, single submitter. Criteria: ACMG Guidelines, 2015. Collection method: clinical testing. Allele origin: germline. Inheritance: Autosomal dominant inheritance. Observed: 4 variant alleles, 4 heterozygotes.
Comment: This missense variant replaces valine with isoleucine at codon 133 of the TSC1 protein. Computational prediction is inconclusive regarding the impact of this variant on protein structure and function (internally defined REVEL score threshold 0.5 < inconclusive < 0.7, PMID: 27666373). Functional studies have shown this variant to behave similar to wild-type TSC1 in protein stability and TORC1 activity assays (PMID: 22161988). This variant has not been reported in individuals affected with tuberous sclerosis complex in the literature. This variant has been identified in 2/251400 chromosomes in the general population by the Genome Aggregation Database (gnomAD). The available evidence is insufficient to determine the role of this variant in disease conclusively. Therefore, this variant is classified as a Variant of Uncertain Significance.

This study involves interpretation of variants in research participants for the purpose of population health screening. Participant phenotype was not available at the time of variant classification. Additional details can be found in publication PMID: 35346344, PMCID: PMC8962531

Ambry Genetics
Classification: Likely benign for Hereditary cancer-predisposing syndrome. Last evaluated: 2022-11-22. Review status: criteria provided, single submitter. Criteria: Ambry Variant Classification Scheme 2023. Collection method: clinical testing. Allele origin: germline.

Genome-Nilou Lab
Classification: Likely benign for Tuberous sclerosis 1. Last evaluated: 2021-11-07. Review status: criteria provided, single submitter. Criteria: ACMG Guidelines, 2015. Collection method: clinical testing. Allele origin: germline. Affected: no.

GeneDx
Classification: Likely benign. Last evaluated: 2021-04-06. Review status: criteria provided, single submitter. Criteria: GeneDx Variant Classification Process June 2021. Collection method: clinical testing. Allele origin: germline. Affected: yes.
Comment: This variant is associated with the following publications: (PMID: 21520333, 22161988, 21811971)

Gharavi Laboratory, Columbia University
Classification: Benign. Last evaluated: 2018-09-16. Review status: criteria provided, single submitter. Criteria: ACMG Guidelines, 2015. Collection method: research. Allele origin: germline. Affected: no.

Tuberous sclerosis database (TSC1)
No classification provided. Condition: TSC. Review status: no classification provided. Criteria: Tuberous Sclerosis Database Assertion Criteria 2015. Collection method: curation. Allele origin: germline. Affected: yes. Not counted in ClinVar's aggregate classification.

Literature cited by the submitters: PubMed 22161988 (cited by All of Us Research Program, National Institutes of Health and Ambry Genetics); PubMed 21811971 (cited by Ambry Genetics).